The following is an entry in ClinVar:

NM_000091.5(COL4A3):c.1354G>A (p.Gly452Arg)

Genes: COL4A3 (collagen type IV alpha 3 chain; plus strand), MFF-DT (MFF divergent transcript; minus strand). Cytogenetic location: 2q36.3.
Variant type: single nucleotide variant.
Coding change: c.1354G>A on transcript NM_000091.5 (MANE Select); coding-DNA position 1354, G replaced by A.
Protein change: p.Gly452Arg; replaces glycine 452 with arginine.
Molecular consequence: missense variant.
Genome position (GRCh38, 1-based): chr2:227,266,455, G>A. VCF-style: chr2-227266455-G-A. GRCh37 (hg19) VCF-style: chr2-228131171-G-A.
Other names: p.(Gly452Arg); short protein forms G452R.
Identifiers: ClinVar variation 551440 (VCV000551440.21), dbSNP rs772958162, ClinGen allele CA2146627.
Genomic context (GRCh38, chr2:227,266,455, plus strand): 5'-CTTTGGTGCTGTATTTTTATAGGTGACATCGTTTTTCGCAAGGGTCCACCTGGAGATCAC[G>A]GACTGCCAGGCTATCTAGGGTCTCCAGGAATCCCAGGAGTTGATGGGCCCAAAGGTTGGT-3'
Protein context (NP_000082.2, residues 442-462): VFRKGPPGDH[Gly452Arg]LPGYLGSPGI

ClinVar aggregate classification (germline): Pathogenic/Likely pathogenic. Review status: criteria provided, multiple submitters, no conflicts (2 of 4 stars). 9 submissions from 9 submitters: Pathogenic (3); Likely pathogenic (3). 3 of the submissions do not count toward it. Last evaluated 2026-04-01.

Conditions:
COL4A3-related disorder. Also called: COL4A3-related condition; COL4A3-Related Disorders.
Alport syndrome 3b, autosomal recessive. Identifiers: MedGen C5882699, MONDO:0957811, OMIM 620536.
Autosomal dominant Alport syndrome (ATS3A). Also called: Alport syndrome dominant type; Renal failure and sensorineural hearing loss; ALPORT SYNDROME 3A, AUTOSOMAL DOMINANT. Identifiers: Orphanet 63, Orphanet 88918, MedGen C5882663, MONDO:0007086, OMIM 104200.
Autosomal recessive Alport syndrome (ATS2). Also called: COL4A4 Alport Syndrome and Thin Basement Membrane Nephropathy; Alport syndrome type 2; ALPORT SYNDROME 2, AUTOSOMAL RECESSIVE; COL4A3-Related Nephropathy. Identifiers: Orphanet 63, Orphanet 88919, MedGen C4746745, MONDO:0008762, OMIM 203780.
Hematuria, benign familial, 2 (BFH2). Identifiers: MedGen C5830421, MONDO:0958186, OMIM 620320.

Allele frequency attached by ClinVar (database versions not stated): gnomAD exomes below 0.00001; ExAC 0.00001.
gnomAD v4.1: 2 of 1,614,058 alleles (0.00012%); highest among the groups gnomAD compares: African/African-American, 0.0013%; no homozygotes.

Submissions (9):

Centre de Génétique Humaine, Institut de Pathologie Et de Génétique
Classification: Pathogenic for Autosomal dominant Alport syndrome. Last evaluated: 2026-04-01. Review status: criteria provided, single submitter. Criteria: ACMG Guidelines, 2015. Collection method: clinical testing. Allele origin: germline, paternal. Inheritance: Autosomal dominant inheritance. Affected: yes. Observed: 4 variant alleles, 4 heterozygotes. Clinical features observed: Microscopic hematuria (HP:0002907), Proteinuria (HP:0000093), Hypertensive disorder (HP:0000822), Stage 5 chronic kidney disease (HP:0003774), Multiple renal cysts (HP:0005562). Segregation with disease observed.
Comment: This variant involves a highly conserved glycine located in a ‘Gly-X-Y’ motif in collagenous region, which is characteristic of the pathogenic variants identified in the COL4A3 gene (PM1,PP2). Same amino acid change described as c.1354G>C, PMID: 36130833 (PS1). In vitro co-immunoprecipitation assays: disruption of the collagen triple helical structure, PMID: 39615805 (PS3). This variant is rare: allelic frequency of 0.00012% in gnomAD v4.1.0 database (PM2); In silico analysis supports that this missense variant has a deleterious effect (PP3). Described in AD and AR Alport Syndrome patients (PP5 strong)

3billion
Classification: Likely pathogenic for Alport syndrome 3b, autosomal recessive. Last evaluated: 2025-06-11. Review status: criteria provided, single submitter. Criteria: ACMG Guidelines, 2015. Collection method: clinical testing. Allele origin: germline. Affected: yes.
Comment: The variant is observed at an extremely low frequency in the gnomAD v4.1.0 dataset (total allele frequency: <0.001%). Predicted Consequence/Location: Missense variant In silico tool predictions suggest damaging effect of the variant on gene or gene product [REVEL: 0.96 (>=0.6, sensitivity 0.68 and specificity 0.92); 3Cnet: 0.97 (> 0.75, sensitivity 0.96 and precision 0.92)]. The same nucleotide change resulting in the same amino acid change has been previously reported as pathogenic/likely pathogenic with strong evidence (ClinVar ID: VCV000551440 /PMID: 24633401). Therefore, this variant is classified as Likely pathogenic according to the recommendation of ACMG/AMP guideline.

Labcorp Genetics (formerly Invitae), Labcorp
Classification: Pathogenic. Last evaluated: 2025-02-15. Review status: criteria provided, single submitter. Criteria: Invitae Variant Classification Sherloc (09022015). Collection method: clinical testing. Allele origin: germline.
Comment: This sequence change replaces glycine, which is neutral and non-polar, with arginine, which is basic and polar, at codon 452 of the COL4A3 protein (p.Gly452Arg). This variant is present in population databases (rs772958162, gnomAD 0.0009%). This missense change has been observed in individual(s) with clinical features of Alport Syndrome (PMID: 24033287, 24633401, 24854265). In at least one individual the data is consistent with being in trans (on the opposite chromosome) from a pathogenic variant. ClinVar contains an entry for this variant (Variation ID: 551440). Invitae Evidence Modeling of protein sequence and biophysical properties (such as structural, functional, and spatial information, amino acid conservation, physicochemical variation, residue mobility, and thermodynamic stability) indicates that this missense variant is expected to disrupt COL4A3 protein function with a positive predictive value of 80%. For these reasons, this variant has been classified as Pathogenic.

Fulgent Genetics
Classification: Pathogenic for Autosomal dominant Alport syndrome; Hematuria, benign familial, 2; Alport syndrome 3b, autosomal recessive. Last evaluated: 2024-05-09. Review status: criteria provided, single submitter. Criteria: ACMG Guidelines, 2015. Collection method: clinical testing. Allele origin: germline.

Blueprint Genetics
Classification: Likely pathogenic for COL4A3-related disorders. Last evaluated: 2023-07-03. Review status: criteria provided, single submitter. Criteria: ACMG Guidelines, 2015. Collection method: clinical testing. Allele origin: germline. Affected: yes. Observed: 1 variant allele.

Revvity Omics, Revvity
Classification: Likely pathogenic. Last evaluated: 2021-05-14. Review status: criteria provided, single submitter. Criteria: ACMG Guidelines, 2015. Collection method: clinical testing. Allele origin: germline.

Gharavi Laboratory, Columbia University
Classification: Likely pathogenic. Last evaluated: 2018-09-16. Review status: no assertion criteria provided. Criteria: ACMG Guidelines, 2015. Collection method: research. Allele origin: germline. Affected: yes. Not counted in ClinVar's aggregate classification.

Counsyl
Classification: Likely pathogenic for Autosomal recessive Alport syndrome. Last evaluated: 2017-04-10. Review status: no assertion criteria provided. Collection method: clinical testing. Allele origin: unknown. Not counted in ClinVar's aggregate classification.

Centre for Mendelian Genomics, University Medical Centre Ljubljana
Classification: Uncertain significance for Autosomal dominant Alport syndrome. Last evaluated: 2019-10-02. Review status: flagged submission. Criteria: ACMG Guidelines, 2015. Collection method: clinical testing. Allele origin: unknown. Affected: yes. Not counted in ClinVar's aggregate classification.
Comment: This variant was classified as: Uncertain significance. The available evidence favors the pathogenic nature of this variant, however the currently available data is insufficient to conclusively support its pathogenic nature. Thus this variant is classified as Uncertain significance - favor pathogenic. The following ACMG criteria were applied in classifying this variant: PP5,PP3,PM2.
ClinVar note: Reason: Outlier claim with insufficient supporting evidence

Literature cited by the submitters: PubMed 24633401 (cited by 4 submitters); PubMed 24854265 (cited by Centre de Génétique Humaine, Institut de Pathologie Et de Génétique and Labcorp Genetics (formerly Invitae), Labcorp); PubMed 30586318 (cited by Centre de Génétique Humaine, Institut de Pathologie Et de Génétique); PubMed 35090027 (cited by Centre de Génétique Humaine, Institut de Pathologie Et de Génétique); PubMed 35369551 (cited by Centre de Génétique Humaine, Institut de Pathologie Et de Génétique); PubMed 38357258 (cited by Centre de Génétique Humaine, Institut de Pathologie Et de Génétique); PubMed 39615805 (cited by Centre de Génétique Humaine, Institut de Pathologie Et de Génétique); PubMed 24033287 (cited by Labcorp Genetics (formerly Invitae), Labcorp and Counsyl).